The following is an entry in ClinVar:

NM_017617.5(NOTCH1):c.4393C>T (p.Leu1465=)

Gene: NOTCH1 (notch receptor 1; minus strand). Cytogenetic location: 9q34.3.
Variant type: single nucleotide variant.
Coding change: c.4393C>T on transcript NM_017617.5 (MANE Select); coding-DNA position 4393, C replaced by T.
Protein change: p.Leu1465=; no amino-acid change (leucine 1465 retained).
Molecular consequence: synonymous variant.
Genome position (GRCh38, 1-based): chr9:136,505,503, G>A on the plus strand (C>T on the coding strand, the complement: NOTCH1 is on the minus strand). VCF-style: chr9-136505503-G-A. GRCh37 (hg19) VCF-style: chr9-139399955-G-A.
Identifiers: ClinVar variation 703867 (VCV000703867.34), dbSNP rs779863069, ClinGen allele CA5340625.

ClinVar aggregate classification (germline): Likely benign. Review status: criteria provided, multiple submitters, no conflicts (2 of 4 stars). 3 submissions from 3 submitters: Likely benign (3). Last evaluated 2023-05-07.

Conditions:
Familial thoracic aortic aneurysm and aortic dissection (TAAD). Also called: Thoracic aortic aneurysms and dissections. Identifiers: Orphanet 91387, MedGen C4707243, MONDO:0019625.
Adams-Oliver syndrome 5 (AOS5). Identifiers: Orphanet 974, MedGen C4014970, MONDO:0014459, OMIM 616028.

Allele frequency attached by ClinVar (database versions not stated): gnomAD 0.00003; TOPMed 0.00006.
gnomAD v4.1: 86 of 1,612,704 alleles (0.0053%); highest among the groups gnomAD compares: East Asian, 0.19%; 2 homozygotes.

Submissions (3):

Labcorp Genetics (formerly Invitae), Labcorp
Classification: Likely benign for Adams-Oliver syndrome 5. Last evaluated: 2023-05-07. Review status: criteria provided, single submitter. Criteria: Invitae Variant Classification Sherloc (09022015). Collection method: clinical testing. Allele origin: germline.

CeGaT Center for Human Genetics Tuebingen
Classification: Likely benign. Last evaluated: 2023-05-01. Review status: criteria provided, single submitter. Criteria: CeGaT Center For Human Genetics Tuebingen Variant Classification Criteria Version 2. Collection method: clinical testing. Allele origin: germline. Affected: yes. Observed: 1 variant allele.
Comment: NOTCH1: BP4, BP7

Ambry Genetics
Classification: Likely benign for Familial thoracic aortic aneurysm and aortic dissection. Last evaluated: 2023-02-26. Review status: criteria provided, single submitter. Criteria: Ambry Variant Classification Scheme 2023. Collection method: clinical testing. Allele origin: germline.